The following is an entry in ClinVar:

ClinVar aggregate classification (germline): Uncertain significance (1 of 4 stars; one submission).

Conditions:
Imerslund-Grasbeck syndrome. Also called: ENTEROCYTE COBALAMIN MALABSORPTION; ENTEROCYTE INTRINSIC FACTOR RECEPTOR, DEFECT OF; PERNICIOUS ANEMIA, JUVENILE, DUE TO SELECTIVE INTESTINAL MALABSORPTION OF VITAMIN B12, WITH PROTEINURIA; Megaloblastic anemia due to inborn errors of metabolism; Imerslund-Gräsbeck syndrome. Identifiers: Orphanet 35858, MedGen C4551825, MONDO:0009853.

Allele frequency attached by ClinVar (database versions not stated): ExAC 0.00002; gnomAD exomes 0.00002; TOPMed 0.00005; gnomAD 0.00007; ESP Exome Variant Server 0.00008.
gnomAD v4.1: 43 of 1,613,786 alleles (0.0027%); highest among the groups gnomAD compares: Middle Eastern, 0.049%; no homozygotes.

Submission:

Labcorp Genetics (formerly Invitae), Labcorp
Classification: Uncertain significance for Imerslund-Grasbeck syndrome. Last evaluated: 2023-03-08. Review status: criteria provided, single submitter. Criteria: Invitae Variant Classification Sherloc (09022015). Collection method: clinical testing. Allele origin: germline.
Comment: This sequence change replaces arginine, which is basic and polar, with glutamine, which is neutral and polar, at codon 2063 of the CUBN protein (p.Arg2063Gln). This variant is present in population databases (rs138959174, gnomAD 0.03%). This variant has not been reported in the literature in individuals affected with CUBN-related conditions. Advanced modeling of protein sequence and biophysical properties (such as structural, functional, and spatial information, amino acid conservation, physicochemical variation, residue mobility, and thermodynamic stability) performed at Invitae indicates that this missense variant is not expected to disrupt CUBN protein function. In summary, the available evidence is currently insufficient to determine the role of this variant in disease. Therefore, it has been classified as a Variant of Uncertain Significance.

NM_001081.4(CUBN):c.6188G>A (p.Arg2063Gln)

Gene: CUBN (cubilin; minus strand). Cytogenetic location: 10p13.
Variant type: single nucleotide variant.
Coding change: c.6188G>A on transcript NM_001081.4 (MANE Select); coding-DNA position 6188, G replaced by A.
Protein change: p.Arg2063Gln; replaces arginine 2063 with glutamine.
Molecular consequence: missense variant.
Genome position (GRCh38, 1-based): chr10:16,928,240, C>T on the plus strand (G>A on the coding strand, the complement: CUBN is on the minus strand). VCF-style: chr10-16928240-C-T. GRCh37 (hg19) VCF-style: chr10-16970239-C-T.
Other names: short protein forms R2063Q.
Identifiers: ClinVar variation 2714975 (VCV002714975.2), dbSNP rs138959174, ClinGen allele CA5423773.